The following is an entry in ClinVar:

NM_000843.4(GRM6):c.2355C>T (p.Ile785=)

Genes: GRM6 (glutamate metabotropic receptor 6; minus strand), ZNF454 (zinc finger protein 454; plus strand). Cytogenetic location: 5q35.3.
Variant type: single nucleotide variant.
Coding change: c.2355C>T on transcript NM_000843.4 (MANE Select); coding-DNA position 2355, C replaced by T.
Protein change: p.Ile785=; no amino-acid change (isoleucine 785 retained).
Molecular consequence: synonymous variant.
Genome position (GRCh38, 1-based): chr5:178,982,991, G>A on the plus strand (C>T on the coding strand, the complement: GRM6 is on the minus strand). VCF-style: chr5-178982991-G-A. GRCh37 (hg19) VCF-style: chr5-178409992-G-A.
Other names: c.2355C>T (NM_000843.3).
Identifiers: ClinVar variation 1092286 (VCV001092286.11), dbSNP rs145196229, ClinGen allele CA3593562.
Genomic context (GRCh38, chr5:178,982,991, plus strand): 5'-GCCAAAGAAGATGGGCACGAATGCCAGCCAGATGATGCAGGTGGTGTACATGGTGAAGCC[G>A]ATGGGCTTGGCCTCGTTGAAGGTCTCGGGCACGCCACGGGCCTTGATGGCGTACACTGTG-3'
Protein context (NP_000834.2, residues 775-795): VPETFNEAKP[Ile785=]GFTMYTTCII

ClinVar aggregate classification (germline): Likely benign. Review status: criteria provided, multiple submitters, no conflicts (2 of 4 stars). 3 submissions from 3 submitters: Likely benign (3). Last evaluated 2025-08-04.

Conditions:
GRM6-related disorder. Also called: GRM6-related condition.

Allele frequency attached by ClinVar (database versions not stated): gnomAD 0.00002 and 0.00006; ESP Exome Variant Server 0.00008; gnomAD exomes 0.00009 and 0.00013; ExAC 0.00017; 1000 Genomes Project 0.00040; 1000 Genomes Project 30x 0.00047.
gnomAD v4.1: 140 of 1,614,050 alleles (0.0087%); highest among the groups gnomAD compares: South Asian, 0.089%; no homozygotes.

Submissions (3):

PreventionGenetics, part of Exact Sciences
Classification: Likely benign for GRM6-related condition. Last evaluated: 2025-08-04. Review status: criteria provided, single submitter. Criteria: ACMG Guidelines, 2015. Collection method: clinical testing. Allele origin: germline.
Comment: This variant is classified as likely benign based on ACMG/AMP sequence variant interpretation guidelines (Richards et al. 2015 PMID: 25741868, with internal and published modifications).

Labcorp Genetics (formerly Invitae), Labcorp
Classification: Likely benign. Last evaluated: 2025-06-16. Review status: criteria provided, single submitter. Criteria: Invitae Variant Classification Sherloc (09022015). Collection method: clinical testing. Allele origin: germline.

Blueprint Genetics
Classification: Likely benign. Last evaluated: 2024-02-09. Review status: criteria provided, single submitter. Criteria: ACMG Guidelines, 2015. Collection method: clinical testing. Allele origin: germline.